The following is an entry in ClinVar:

ClinVar aggregate classification (germline): Likely pathogenic (1 of 4 stars; one submission).

Conditions:
EGFR-related lung cancer (EGFR). Identifiers: MedGen CN130014.

Submission:

Labcorp Genetics (formerly Invitae), Labcorp
Classification: Likely pathogenic for EGFR-related lung cancer. Last evaluated: 2022-03-26. Review status: criteria provided, single submitter. Criteria: Invitae Variant Classification Sherloc (09022015). Collection method: clinical testing. Allele origin: germline.
Comment: This variant is not present in population databases (gnomAD no frequency). In summary, the currently available evidence indicates that the variant is pathogenic, but additional data are needed to prove that conclusively. Therefore, this variant has been classified as Likely Pathogenic. Algorithms developed to predict the effect of sequence changes on RNA splicing suggest that this variant may disrupt the consensus splice site. This variant has not been reported in the literature in individuals affected with EGFR-related conditions. This variant results in the deletion of part of exon 18 (c.2181_2184+7del) of the EGFR gene. It is expected to disrupt RNA splicing. Variants that disrupt the donor or acceptor splice site typically lead to a loss of protein function (PMID: 16199547), and loss-of-function variants in EGFR are known to be pathogenic (PMID: 7630400, 28726809, 29899996).

Literature cited by the submitters: PubMed 16199547; PubMed 7630400; PubMed 28726809; PubMed 29899996.

NM_005228.5(EGFR):c.2181_2184+7del

Gene: EGFR (epidermal growth factor receptor; plus strand). Cytogenetic location: 7p11.2.
Variant type: Deletion.
Coding change: c.2181_2184+7del on transcript NM_005228.5 (MANE Select); coding-DNA position 2181 through 7 bases into the intron after coding-DNA position 2184, 11 bases deleted (TAAGGTAAGGT).
Molecular consequence: splice donor variant.
Genome position (GRCh38, 1-based): chr7:55,174,040-55,174,050, TAAGGTAAGGT deleted. VCF-style (leftmost placement, unchanged base first): chr7-55174039-ATAAGGTAAGGT-A. GRCh37 (hg19) VCF-style: chr7-55241732-ATAAGGTAAGGT-A.
Other names: c.2046_2049+7del (NM_001346899.2, NM_001346897.2); c.1380_1383+7del (NM_001346941.2); c.2181_2184+7del (NM_001346898.2); c.2022_2025+7del (NM_001346900.2).
Identifiers: ClinVar variation 2117789 (VCV002117789.4), dbSNP rs2534726018, ClinGen allele CA2580077252.